The following is an entry in ClinVar:

NM_001458.5(FLNC):c.4435G>C (p.Val1479Leu)

Gene: FLNC (filamin C; plus strand). Cytogenetic location: 7q32.1.
Variant type: single nucleotide variant.
Coding change: c.4435G>C on transcript NM_001458.5 (MANE Select); coding-DNA position 4435, G replaced by C.
Protein change: p.Val1479Leu; replaces valine 1479 with leucine.
Molecular consequence: missense variant.
Genome position (GRCh38, 1-based): chr7:128,847,843, G>C. VCF-style: chr7-128847843-G-C. GRCh37 (hg19) VCF-style: chr7-128487897-G-C.
Other names: c.4435G>C, p.Val1479Leu (NM_001127487.2); short protein forms V1479L.
Identifiers: ClinVar variation 2088608 (VCV002088608.4), dbSNP rs1362658814, ClinGen allele CA369201635.

ClinVar aggregate classification (germline): Uncertain significance (1 of 4 stars; one submission).

Conditions:
Hypertrophic cardiomyopathy 26. Also called: Cardiomyopathy, familial hypertrophic, 26. Identifiers: Orphanet 75249, MedGen C4310749, MONDO:0014883, OMIM 617047.
Myofibrillar myopathy 5. Also called: Filaminopathy (type); FILAMINOPATHY, AUTOSOMAL DOMINANT. Identifiers: Orphanet 171445, MedGen C1836050, MONDO:0012289, OMIM 609524.
Distal myopathy with posterior leg and anterior hand involvement. Also called: WILLIAMS DISTAL MYOPATHY. Identifiers: Orphanet 63273, MedGen C3279722, MONDO:0013550, OMIM 614065.

Allele frequency attached by ClinVar (database versions not stated): gnomAD exomes below 0.00001; gnomAD 0.00001.
gnomAD v4.1: 2 of 1,613,512 alleles (0.00012%); highest among the groups gnomAD compares: Admixed American, 0.0033%; no homozygotes.

Submission:

Labcorp Genetics (formerly Invitae), Labcorp
Classification: Uncertain significance for Distal myopathy with posterior leg and anterior hand involvement; Myofibrillar myopathy 5; Hypertrophic cardiomyopathy 26. Last evaluated: 2022-01-21. Review status: criteria provided, single submitter. Criteria: Invitae Variant Classification Sherloc (09022015). Collection method: clinical testing. Allele origin: germline.
Comment: This sequence change replaces valine, which is neutral and non-polar, with leucine, which is neutral and non-polar, at codon 1479 of the FLNC protein (p.Val1479Leu). This variant is not present in population databases (gnomAD no frequency). This variant has not been reported in the literature in individuals affected with FLNC-related conditions. Algorithms developed to predict the effect of missense changes on protein structure and function are either unavailable or do not agree on the potential impact of this missense change (SIFT: "Tolerated"; PolyPhen-2: "Possibly Damaging"; Align-GVGD: "Class C0"). In summary, the available evidence is currently insufficient to determine the role of this variant in disease. Therefore, it has been classified as a Variant of Uncertain Significance.